The following is an entry in ClinVar:

NM_006950.3(SYN1):c.1568C>T (p.Ala523Val)

Gene: SYN1 (synapsin I; minus strand). Cytogenetic location: Xp11.3.
Variant type: single nucleotide variant.
Coding change: c.1568C>T on transcript NM_006950.3 (MANE Select); coding-DNA position 1568, C replaced by T.
Protein change: p.Ala523Val; replaces alanine 523 with valine.
Molecular consequence: missense variant.
Genome position (GRCh38, 1-based): chrX:47,574,416, G>A on the plus strand (C>T on the coding strand, the complement: SYN1 is on the minus strand). VCF-style: chrX-47574416-G-A. GRCh37 (hg19) VCF-style: chrX-47433815-G-A.
Other names: c.1568C>T, p.Ala523Val (NM_133499.2); short protein forms A523V.
Identifiers: ClinVar variation 962183 (VCV000962183.10), dbSNP rs1341949224, ClinGen allele CA412823287.

ClinVar aggregate classification (germline): Uncertain significance (1 of 4 stars; one submission).

Conditions:
Epilepsy, X-linked 1, with variable learning disabilities and behavior disorders. Also called: X-linked epilepsy-learning disabilities-behavior disorders syndrome. Identifiers: Orphanet 85294, MedGen C5774177, MONDO:0010339, OMIM 300491.

Submission:

Labcorp Genetics (formerly Invitae), Labcorp
Classification: Uncertain significance for Epilepsy, X-linked 1, with variable learning disabilities and behavior disorders. Last evaluated: 2019-09-13. Review status: criteria provided, single submitter. Criteria: Invitae Variant Classification Sherloc (09022015). Collection method: clinical testing. Allele origin: germline.
Comment: In summary, the available evidence is currently insufficient to determine the role of this variant in disease. Therefore, it has been classified as a Variant of Uncertain Significance. This variant has not been reported in the literature in individuals with SYN1-related conditions. The frequency data for this variant in the population databases is considered unreliable, as metrics indicate insufficient coverage at this position in the ExAC database. This sequence change replaces alanine with valine at codon 523 of the SYN1 protein (p.Ala523Val). The alanine residue is weakly conserved and there is a small physicochemical difference between alanine and valine.